The following is an entry in ClinVar:

NM_000321.3(RB1):c.2775G>A (p.Lys925=)

Gene: RB1 (RB transcriptional corepressor 1; plus strand). Cytogenetic location: 13q14.2.
Variant type: single nucleotide variant.
Coding change: c.2775G>A on transcript NM_000321.3 (MANE Select); coding-DNA position 2775, G replaced by A.
Protein change: p.Lys925=; no amino-acid change (lysine 925 retained).
Molecular consequence: synonymous variant.
Genome position (GRCh38, 1-based): chr13:48,480,059, G>A. VCF-style: chr13-48480059-G-A. GRCh37 (hg19) VCF-style: chr13-49054195-G-A.
Identifiers: ClinVar variation 821783 (VCV000821783.13), dbSNP rs936709957, ClinGen allele CA249290355.

ClinVar aggregate classification (germline): Benign/Likely benign. Review status: criteria provided, multiple submitters, no conflicts (2 of 4 stars). 3 submissions from 3 submitters: Benign (1); Likely benign (2). Last evaluated 2026-06-25.

Conditions:
Hereditary cancer-predisposing syndrome. Also called: Tumor predisposition; Hereditary Cancer Syndrome; Hereditary neoplastic syndrome; Neoplastic Syndromes, Hereditary. Identifiers: Orphanet 140162, MedGen C0027672, MeSH D009386, MONDO:0015356.
Retinoblastoma (RB1). Also called: RETINOBLASTOMA, SOMATIC. Identifiers: Orphanet 790, MedGen C0035335, MeSH D012175, MONDO:0008380, OMIM 180200, HP:0009919. Disease mechanism: loss of function. Inheritance: Both sporadic and heritable forms are tested..

Allele frequency attached by ClinVar (database versions not stated): gnomAD 0.00001 and 0.00003; gnomAD exomes 0.00001 and below 0.00001; TOPMed 0.00003.
gnomAD v4.1: 6 of 1,612,454 alleles (0.00037%); highest among the groups gnomAD compares: African/African-American, 0.0027%; no homozygotes.

Submissions (3):

Myriad Genetics, Inc.
Classification: Benign for Retinoblastoma. Last evaluated: 2026-06-25. Review status: criteria provided, single submitter. Criteria: Myriad Autosomal Dominant, Autosomal Recessive and X-Linked Classification Criteria (2023). Collection method: clinical testing. Allele origin: unknown.
Comment: This variant is considered benign. This variant is a silent/synonymous amino acid change and it is not expected to impact splicing.

Labcorp Genetics (formerly Invitae), Labcorp
Classification: Likely benign for Retinoblastoma. Last evaluated: 2026-01-14. Review status: criteria provided, single submitter. Criteria: Invitae Variant Classification Sherloc (09022015). Collection method: clinical testing. Allele origin: germline.

Ambry Genetics
Classification: Likely benign for Hereditary cancer-predisposing syndrome. Last evaluated: 2018-03-30. Review status: criteria provided, single submitter. Criteria: Ambry Variant Classification Scheme 2023. Collection method: clinical testing. Allele origin: germline.